The following is an entry in ClinVar:

ClinVar aggregate classification (germline): Uncertain significance (1 of 4 stars; one submission).

Conditions:
Hereditary cancer-predisposing syndrome. Also called: Tumor predisposition; Neoplastic Syndromes, Hereditary; Hereditary neoplastic syndrome; Hereditary Cancer Syndrome. Identifiers: Orphanet 140162, MedGen C0027672, MeSH D009386, MONDO:0015356.

Submission:

Ambry Genetics
Classification: Uncertain significance for Hereditary cancer-predisposing syndrome. Last evaluated: 2024-11-25. Review status: criteria provided, single submitter. Criteria: Ambry Variant Classification Scheme 2023. Collection method: clinical testing. Allele origin: germline.
Comment: The p.D1670A variant (also known as c.5009A>C), located in coding exon 35 of the SMARCA4 gene, results from an A to C substitution at nucleotide position 5009. The aspartic acid at codon 1670 is replaced by alanine, an amino acid with dissimilar properties. This amino acid position is conserved. In addition, the in silico prediction for this alteration is inconclusive. Based on the available evidence, the clinical significance of this variant remains unclear.

NM_003072.5(SMARCA4):c.4913A>C (p.Asp1638Ala)

Gene: SMARCA4 (SWI/SNF related BAF chromatin remodeling complex subunit ATPase 4; plus strand). Cytogenetic location: 19p13.2.
Variant type: single nucleotide variant.
Coding change: c.4913A>C on transcript NM_003072.5 (MANE Select); coding-DNA position 4913, A replaced by C.
Protein change: p.Asp1638Ala; replaces aspartic acid 1638 with alanine.
Molecular consequence: missense variant. On other transcripts: non-coding transcript variant (1).
Genome position (GRCh38, 1-based): chr19:11,061,785, A>C. VCF-style: chr19-11061785-A-C. GRCh37 (hg19) VCF-style: chr19-11172461-A-C.
Other names: c.4913A>C, p.Asp1638Ala (NM_001128844.3); c.4823A>C, p.Asp1608Ala (NM_001128845.2); c.4820A>C, p.Asp1607Ala (NM_001128846.2); c.4814A>C, p.Asp1605Ala (NM_001128847.4, NM_001374457.1); c.4811A>C, p.Asp1604Ala (NM_001128848.2); c.5009A>C, p.Asp1670Ala (NM_001128849.3, NM_001387283.1); c.4910A>C, p.Asp1637Ala (NM_001411150.1); short protein forms D1604A, D1637A, D1605A, D1607A, D1638A, D1608A, D1670A.
Identifiers: ClinVar variation 3446031 (VCV003446031.1).